The following is an entry in ClinVar:

ClinVar aggregate classification (germline): Uncertain significance (1 of 4 stars; one submission).

Conditions:
Brown-Vialetto-van Laere syndrome 2. Also called: SPINOCEREBELLAR ATAXIA WITH BLINDNESS AND DEAFNESS 2; Riboflavin transporter deficiency type 2. Identifiers: Orphanet 572543, Orphanet 97229, MedGen C3553538, MONDO:0013867, OMIM 614707.

Allele frequency attached by ClinVar (database versions not stated): gnomAD exomes below 0.00001; TOPMed below 0.00001.

Submission:

Labcorp Genetics (formerly Invitae), Labcorp
Classification: Uncertain significance for Brown-Vialetto-van Laere syndrome 2. Last evaluated: 2022-09-13. Review status: criteria provided, single submitter. Criteria: Invitae Variant Classification Sherloc (09022015). Collection method: clinical testing. Allele origin: germline.
Comment: This sequence change replaces asparagine, which is neutral and polar, with tyrosine, which is neutral and polar, at codon 129 of the SLC52A2 protein (p.Asn129Tyr). This variant is present in population databases (no rsID available, gnomAD 0.003%). This variant has not been reported in the literature in individuals affected with SLC52A2-related conditions. Algorithms developed to predict the effect of missense changes on protein structure and function (SIFT, PolyPhen-2, Align-GVGD) all suggest that this variant is likely to be disruptive. In summary, the available evidence is currently insufficient to determine the role of this variant in disease. Therefore, it has been classified as a Variant of Uncertain Significance.

NM_001363118.2(SLC52A2):c.385A>T (p.Asn129Tyr)

Gene: SLC52A2 (solute carrier family 52 member 2; plus strand). Cytogenetic location: 8q24.3.
Variant type: single nucleotide variant.
Coding change: c.385A>T on transcript NM_001363118.2 (MANE Select); coding-DNA position 385, A replaced by T.
Protein change: p.Asn129Tyr; replaces asparagine 129 with tyrosine.
Molecular consequence: missense variant. On other transcripts: non-coding transcript variant (1), intron variant (1).
Genome position (GRCh38, 1-based): chr8:144,359,877, A>T. VCF-style: chr8-144359877-A-T. GRCh37 (hg19) VCF-style: chr8-145583537-A-T.
Other names: c.385A>T, p.Asn129Tyr (NM_001253815.2, NM_001253816.2, NM_001363120.2 and 2 more transcripts); c.121A>T, p.Asn41Tyr (NM_001410949.1); c.131-238A>T (NM_001363122.2); short protein forms N129Y, N41Y.
Identifiers: ClinVar variation 1978875 (VCV001978875.1), dbSNP rs1554853940, ClinGen allele CA372627028.